The following is an entry in ClinVar:

ClinVar aggregate classification (germline): Uncertain significance. Review status: criteria provided, multiple submitters, no conflicts (2 of 4 stars). 2 submissions from 2 submitters: Uncertain significance (2). Last evaluated 2025-08-28.

Conditions:
Neurofibromatosis, type 1 (NF1). Also called: Peripheral type neurofibromatosis; VON RECKLINGHAUSEN DISEASE; Neurofibromatosis, type I; NEUROFIBROMATOSIS, TYPE I, SOMATIC. Identifiers: Orphanet 636, MedGen C0027831, MONDO:0018975, OMIM 162200. Disease mechanism: loss of function.
Hereditary cancer-predisposing syndrome. Also called: Tumor predisposition; Hereditary neoplastic syndrome; Neoplastic Syndromes, Hereditary; Hereditary Cancer Syndrome. Identifiers: Orphanet 140162, MedGen C0027672, MeSH D009386, MONDO:0015356.
Cardiovascular phenotype. Identifiers: MedGen CN230736.

Submissions (2):

Ambry Genetics
Classification: Uncertain significance for Cardiovascular phenotype; Hereditary cancer-predisposing syndrome. Last evaluated: 2025-08-28. Review status: criteria provided, single submitter. Criteria: Ambry Variant Classification Scheme 2023. Collection method: clinical testing. Allele origin: germline.
Comment: The p.S340A variant (also known as c.1018T>G), located in coding exon 9 of the NF1 gene, results from a T to G substitution at nucleotide position 1018. The serine at codon 340 is replaced by alanine, an amino acid with similar properties. This amino acid position is highly conserved in available vertebrate species. In addition, the in silico prediction for this alteration is inconclusive. Based on the available evidence, the clinical significance of this variant remains unclear.

Labcorp Genetics (formerly Invitae), Labcorp
Classification: Uncertain significance for Neurofibromatosis, type 1. Last evaluated: 2024-04-05. Review status: criteria provided, single submitter. Criteria: Invitae Variant Classification Sherloc (09022015). Collection method: clinical testing. Allele origin: germline.
Comment: This sequence change replaces serine, which is neutral and polar, with alanine, which is neutral and non-polar, at codon 340 of the NF1 protein (p.Ser340Ala). This variant is not present in population databases (gnomAD no frequency). This variant has not been reported in the literature in individuals affected with NF1-related conditions. ClinVar contains an entry for this variant (Variation ID: 940725). Advanced modeling of protein sequence and biophysical properties (such as structural, functional, and spatial information, amino acid conservation, physicochemical variation, residue mobility, and thermodynamic stability) has been performed at Invitae for this missense variant, however the output from this modeling did not meet the statistical confidence thresholds required to predict the impact of this variant on NF1 protein function. In summary, the available evidence is currently insufficient to determine the role of this variant in disease. Therefore, it has been classified as a Variant of Uncertain Significance.

NM_001042492.3(NF1):c.1018T>G (p.Ser340Ala)

Gene: NF1 (neurofibromin 1; plus strand). Cytogenetic location: 17q11.2.
Variant type: single nucleotide variant.
Coding change: c.1018T>G on transcript NM_001042492.3 (MANE Select); coding-DNA position 1018, T replaced by G.
Protein change: p.Ser340Ala; replaces serine 340 with alanine.
Molecular consequence: missense variant.
Genome position (GRCh38, 1-based): chr17:31,200,551, T>G. VCF-style: chr17-31200551-T-G. GRCh37 (hg19) VCF-style: chr17-29527569-T-G.
Other names: c.1018T>G, p.Ser340Ala (NM_000267.4, NM_001128147.3); short protein forms S340A.
Identifiers: ClinVar variation 940725 (VCV000940725.7), dbSNP rs1567835228, ClinGen allele CA398996332.
Genomic context (GRCh38, chr17:31,200,551, plus strand): 5'-GCTGCAATTGCCTGTGTCAAACTGTGTAAAGCAAGTACTTACATCAATTGGGAAGATAAC[T>G]CTGTCATTTTCCTACTTGTTCAGTCCATGGTGGTTGATCTTAAGGTAACATGCTTATTCT-3'
Protein context (NP_001035957.1, residues 330-350): ASTYINWEDN[Ser340Ala]VIFLLVQSMV